The following is an entry in ClinVar:

ClinVar aggregate classification (germline): Conflicting classifications of pathogenicity. Review status: criteria provided, conflicting classifications (1 of 4 stars). 4 submissions from 4 submitters: Pathogenic (2); Likely pathogenic (1); Uncertain significance (1). Last evaluated 2025-04-18.

Conditions:
MYL4-related disorder. Also called: MYL4-related condition.
Atrial fibrillation, familial, 18 (ATFB18). Identifiers: MedGen C4310636, MONDO:0015001, OMIM 617280.

Allele frequency attached by ClinVar (database versions not stated): gnomAD exomes 0.00001.

Submissions (4):

Variantyx, Inc.
Classification: Likely pathogenic for Atrial fibrillation, familial, 18. Last evaluated: 2025-04-18. Review status: criteria provided, single submitter. Criteria: Variantyx Assertion Criteria 2022. Collection method: clinical testing. Allele origin: germline. Inheritance: Autosomal dominant inheritance. Affected: no.
Comment: This is a frameshift variant in the MYL4 gene (OMIM: 160770). There is emerging evidence that associates the MYL4 gene with autosomal recessive familial atrial fibrillation 18 (PMID: 27742809, 25807286). This variant introduces a premature termination codon in exon 3 out of 7 and is expected to result in loss of function, which is a known disease mechanism for MYL4 in this disorder (PMID: 25807286, 27742809, 29080865) (PVS1_Strong). This alteration has been identified in the homozygous or compound heterozygous state in at least 3 individuals reported in the published literature (PMID: 27742809) (PM3), and it has been observed to segregate with disease in at least 2 individuals from one family (PMID: 27742809) (PP1). The maximum allele frequency in non-founder control populations is 0.0013% (PM2). Based on the current evidence, this variant is classified as likely pathogenic for autosomal recessive familial atrial fibrillation 18.

Blueprint Genetics
Classification: Pathogenic for MYL4-related disorders. Last evaluated: 2023-12-04. Review status: criteria provided, single submitter. Criteria: ACMG Guidelines, 2015. Collection method: clinical testing. Allele origin: germline. Affected: yes. Observed: 2 variant alleles.

Department of Pathology and Laboratory Medicine, Sinai Health System
Classification: Uncertain significance for atrial fibrillation, familial, 18. Last evaluated: 2023-01-09. Review status: criteria provided, single submitter. Criteria: ACMG Guidelines, 2015. Collection method: research. Allele origin: germline.

Labcorp Genetics (formerly Invitae), Labcorp
Classification: Pathogenic for Atrial fibrillation, familial, 18. Last evaluated: 2021-10-24. Review status: criteria provided, single submitter. Criteria: Invitae Variant Classification Sherloc (09022015). Collection method: clinical testing. Allele origin: germline.
Comment: For these reasons, this variant has been classified as Pathogenic. This premature translational stop signal has been observed in individual(s) with autosomal recessive atrial fibrillation (PMID: 25807286, 27742809). It has also been observed to segregate with disease in related individuals. This variant is not present in population databases (ExAC no frequency). This sequence change creates a premature translational stop signal (p.Cys78Trpfs*29) in the MYL4 gene. It is expected to result in an absent or disrupted protein product. Loss-of-function variants in MYL4 are known to be pathogenic (PMID: 25807286, 27742809).

Literature cited by the submitters: PubMed 25807286 (cited by Variantyx, Inc. and Labcorp Genetics (formerly Invitae), Labcorp); PubMed 27742809 (cited by Variantyx, Inc. and Labcorp Genetics (formerly Invitae), Labcorp).

NM_002476.2(MYL4):c.234del (p.Cys78fs)

Gene: MYL4 (myosin light chain 4; plus strand). Cytogenetic location: 17q21.32.
Variant type: Deletion.
Coding change: c.234del on transcript NM_002476.2 (MANE Select); coding-DNA position 234, one base deleted (C; older notation c.234delC).
Protein change: p.Cys78fs; shifts the reading frame from cysteine 78.
Molecular consequence: frameshift variant.
Genome position (GRCh38, 1-based): chr17:47,219,974, C deleted. VCF-style (leftmost placement, unchanged base first): chr17-47219973-GC-G. GRCh37 (hg19) VCF-style: chr17-45297339-GC-G.
Other names: c.234del, p.Cys78fs (NM_001002841.2); short protein forms C78fs.
Identifiers: ClinVar variation 1430788 (VCV001430788.9), dbSNP rs776650813, ClinGen allele CA291225161.